The following is an entry in ClinVar:

ClinVar aggregate classification (germline): Pathogenic/Likely pathogenic. Review status: criteria provided, multiple submitters, no conflicts (2 of 4 stars). 2 submissions from 2 submitters: Pathogenic (1); Likely pathogenic (1). Last evaluated 2023-06-01.

Conditions:
Familial cancer of breast. Also called: hereditary breast carcinoma; BREAST CANCER, FAMILIAL; Hereditary breast cancer. Identifiers: Orphanet 227535, MedGen C0346153, MONDO:0016419, OMIM 114480. Disease mechanism: loss of function.
Malignant tumor of breast. Also called: Malignant breast neoplasm; Cancer breast. Identifiers: MedGen C0006142, MONDO:0007254. Disease mechanism: loss of function.

Submissions (2):

Myriad Genetics, Inc.
Classification: Pathogenic for Familial cancer of breast. Last evaluated: 2023-06-01. Review status: criteria provided, single submitter. Criteria: Myriad Autosomal Dominant, Autosomal Recessive and X-Linked Classification Criteria (2023). Collection method: clinical testing. Allele origin: unknown.
Comment: This variant is considered pathogenic. This variant creates a frameshift predicted to result in premature protein truncation.

Women's Health and Genetics/Laboratory Corporation of America, LabCorp
Classification: Likely pathogenic for breast cancer. Last evaluated: 2020-09-04. Review status: criteria provided, single submitter. Criteria: LabCorp Variant Classification Summary - May 2015. Collection method: clinical testing. Allele origin: germline.
Comment: Variant summary: BRIP1 c.875delT (p.Phe292SerfsX11) results in a premature termination codon, predicted to cause a truncation of the encoded protein or absence of the protein due to nonsense mediated decay, which are commonly known mechanisms for disease. Truncations downstream of this position have been classified as pathogenic by our laboratory. The variant was absent in 250894 control chromosomes (gnomAD). To our knowledge, no occurrence of c.875delT in individuals affected with Breast Cancer and no experimental evidence demonstrating its impact on protein function have been reported. No clinical diagnostic laboratories have submitted clinical-significance assessments for this variant to ClinVar after 2014. Based on the evidence outlined above, the variant was classified as likely pathogenic.

NM_032043.3(BRIP1):c.875del (p.Phe292fs)

Gene: BRIP1 (BRCA1 interacting DNA helicase 1; minus strand). Cytogenetic location: 17q23.2.
Variant type: Deletion.
Coding change: c.875del on transcript NM_032043.3 (MANE Select); coding-DNA position 875, one base deleted (T; older notation c.875delT).
Protein change: p.Phe292fs; shifts the reading frame from phenylalanine 292.
Molecular consequence: frameshift variant.
Genome position (GRCh38, 1-based): chr17:61,808,510, A deleted on the plus strand (T on the coding strand, the reverse complement: BRIP1 is on the minus strand); the first of 2 consecutive A bases (chr17:61,808,510-61,808,511); deleting either gives the same sequence. VCF-style (leftmost placement, unchanged base first): chr17-61808509-GA-G. GRCh37 (hg19) VCF-style: chr17-59885870-GA-G.
Other names: short protein forms F292fs.
Identifiers: ClinVar variation 981107 (VCV000981107.4), dbSNP rs2078107930, ClinGen allele CA1139665796.